The following is an entry in ClinVar:

NM_000102.4(CYP17A1):c.436+1G>T

Gene: CYP17A1 (cytochrome P450 family 17 subfamily A member 1; minus strand). Cytogenetic location: 10q24.32.
Variant type: single nucleotide variant.
Coding change: c.436+1G>T on transcript NM_000102.4 (MANE Select); the canonical splice donor site of the intron after coding-DNA position 436, G replaced by T.
Molecular consequence: splice donor variant.
Genome position (GRCh38, 1-based): chr10:102,835,253, C>A on the plus strand (G>T on the coding strand, the complement: CYP17A1 is on the minus strand). VCF-style: chr10-102835253-C-A. GRCh37 (hg19) VCF-style: chr10-104595010-C-A.
Identifiers: ClinVar variation 2835218 (VCV002835218.3), dbSNP rs2493242975, ClinGen allele CA377940241.

ClinVar aggregate classification (germline): Likely pathogenic (1 of 4 stars; one submission).

Submission:

Labcorp Genetics (formerly Invitae), Labcorp
Classification: Likely pathogenic. Last evaluated: 2023-02-14. Review status: criteria provided, single submitter. Criteria: Invitae Variant Classification Sherloc (09022015). Collection method: clinical testing. Allele origin: germline.
Comment: In summary, the currently available evidence indicates that the variant is pathogenic, but additional data are needed to prove that conclusively. Therefore, this variant has been classified as Likely Pathogenic. This sequence change affects a donor splice site in intron 2 of the CYP17A1 gene. It is expected to disrupt RNA splicing. Variants that disrupt the donor or acceptor splice site typically lead to a loss of protein function (PMID: 16199547), and loss-of-function variants in CYP17A1 are known to be pathogenic (PMID: 10720067, 14747197, 17192295, 20197673, 24140098). This variant is not present in population databases (gnomAD no frequency). This variant has not been reported in the literature in individuals affected with CYP17A1-related conditions. Algorithms developed to predict the effect of sequence changes on RNA splicing suggest that this variant may disrupt the consensus splice site.

Literature cited by the submitters: PubMed 16199547; PubMed 10720067; PubMed 14747197; PubMed 17192295; PubMed 20197673; PubMed 24140098.